The following is an entry in ClinVar:

ClinVar aggregate classification (germline): Uncertain significance (1 of 4 stars; one submission).

Allele frequency attached by ClinVar (database versions not stated): gnomAD exomes below 0.00001.
gnomAD v4.1: 2 of 1,604,026 alleles (0.00012%); highest among the groups gnomAD compares: Non-Finnish European, 0.00017%; no homozygotes.

Submission:

Ambry Genetics
Classification: Uncertain significance. Last evaluated: 2022-04-07. Review status: criteria provided, single submitter. Criteria: Ambry Variant Classification Scheme 2023. Collection method: clinical testing. Allele origin: germline.
Comment: The p.L233F variant (also known as c.699G>C), located in coding exon 5 of the POLQ gene, results from a G to C substitution at nucleotide position 699. The leucine at codon 233 is replaced by phenylalanine, an amino acid with highly similar properties. This amino acid position is conserved. In addition, this alteration is predicted to be tolerated by in silico analysis. Since supporting evidence is limited at this time, the clinical significance of this alteration remains unclear.

NM_199420.4(POLQ):c.699G>C (p.Leu233Phe)

Gene: POLQ (DNA polymerase theta; minus strand). Cytogenetic location: 3q13.33.
Variant type: single nucleotide variant.
Coding change: c.699G>C on transcript NM_199420.4 (MANE Select); coding-DNA position 699, G replaced by C.
Protein change: p.Leu233Phe; replaces leucine 233 with phenylalanine.
Molecular consequence: missense variant.
Genome position (GRCh38, 1-based): chr3:121,537,141, C>G on the plus strand (G>C on the coding strand, the complement: POLQ is on the minus strand). VCF-style: chr3-121537141-C-G. GRCh37 (hg19) VCF-style: chr3-121255988-C-G.
Other names: short protein forms L233F.
Identifiers: ClinVar variation 1756529 (VCV001756529.2), dbSNP rs1165266307, ClinGen allele CA354090494.